The following is an entry in ClinVar:

NM_001018005.2(TPM1):c.583G>A (p.Glu195Lys)

Gene: TPM1 (tropomyosin 1; plus strand). Cytogenetic location: 15q22.2.
Variant type: single nucleotide variant.
Coding change: c.583G>A on transcript NM_001018005.2 (MANE Select); coding-DNA position 583, G replaced by A.
Protein change: p.Glu195Lys; replaces glutamic acid 195 with lysine.
Molecular consequence: missense variant. On other transcripts: intron variant (6).
Genome position (GRCh38, 1-based): chr15:63,061,732, G>A. VCF-style: chr15-63061732-G-A. GRCh37 (hg19) VCF-style: chr15-63353931-G-A.
Other names: c.583G>A, p.Glu195Lys (NM_001018004.2, NM_001018007.2, NM_001301244.2 and 3 more transcripts); c.475G>A, p.Glu159Lys (NM_001018008.2, NM_001301289.2, NM_001330346.2 and 2 more transcripts); c.709G>A, p.Glu237Lys (NM_001365778.1); c.639+459G>A (NM_001018020.2, NM_001018006.2, NM_000366.6); c.531+459G>A (NM_001330351.2, NM_001330344.2, NM_001365781.2); short protein forms E195K, E237K, E159K.
Identifiers: ClinVar variation 519095 (VCV000519095.9), dbSNP rs1555409508, ClinGen allele CA392724099.
Genomic context (GRCh38, chr15:63,061,732, plus strand): 5'-GCTTGTCTCCCACCCTTTCTGCCTCTGATCGAAAACATTAGCAAATGTGCCGAGCTTGAA[G>A]AAGAATTGAAAACTGTGACGAACAACTTGAAGTCACTGGAGGCTCAGGCTGAGAAGGTAG-3'
Protein context (NP_001018005.1, residues 185-205): LSEGKCAELE[Glu195Lys]ELKTVTNNLK

ClinVar aggregate classification (germline): Uncertain significance. Review status: criteria provided, multiple submitters, no conflicts (2 of 4 stars). 2 submissions from 2 submitters: Uncertain significance (2). Last evaluated 2022-05-01.

Conditions:
Cardiovascular phenotype. Identifiers: MedGen CN230736.
Hypertrophic cardiomyopathy. Also called: HYPERTROPHIC MYOCARDIOPATHY. Identifiers: Orphanet 217569, MedGen C0007194, MeSH D002312, MONDO:0005045, HP:0001639.

Submissions (2):

Labcorp Genetics (formerly Invitae), Labcorp
Classification: Uncertain significance for Hypertrophic cardiomyopathy. Last evaluated: 2022-05-01. Review status: criteria provided, single submitter. Criteria: Invitae Variant Classification Sherloc (09022015). Collection method: clinical testing. Allele origin: germline.
Comment: In summary, the available evidence is currently insufficient to determine the role of this variant in disease. Therefore, it has been classified as a Variant of Uncertain Significance. Algorithms developed to predict the effect of missense changes on protein structure and function are either unavailable or do not agree on the potential impact of this missense change (SIFT: "Deleterious"; PolyPhen-2: "Probably Damaging"; Align-GVGD: "Class C0"). ClinVar contains an entry for this variant (Variation ID: 519095). This variant has not been reported in the literature in individuals affected with TPM1-related conditions. This variant is not present in population databases (gnomAD no frequency). This sequence change replaces glutamic acid, which is acidic and polar, with lysine, which is basic and polar, at codon 195 of the TPM1 protein (p.Glu195Lys).

Ambry Genetics
Classification: Uncertain significance for Cardiovascular phenotype. Last evaluated: 2016-05-17. Review status: criteria provided, single submitter. Criteria: Ambry Variant Classification Scheme 2023. Collection method: clinical testing. Allele origin: germline.
Comment: The p.E195K variant (also known as c.583G>A), located in coding exon 6 of the TPM1 gene, results from a G to A substitution at nucleotide position 583. The glutamic acid at codon 195 is replaced by lysine, an amino acid with some similar properties. This variant was not reported in population based cohorts in the following databases: Database of Single Nucleotide Polymorphisms (dbSNP), NHLBI Exome Sequencing Project (ESP), and 1000 Genomes Project. In the ESP, this variant was not observed in 6503 samples (13006 alleles) with coverage at this position. This amino acid position is highly conserved in available vertebrate species. In addition, this alteration is predicted to be deleterious by in silico analysis. Since supporting evidence is limited at this time, the clinical significance of this variant remains unclear.